The following is an entry in ClinVar:

NM_018124.4(RFWD3):c.865A>G (p.Ile289Val)

Gene: RFWD3 (ring finger and WD repeat domain 3; minus strand). Cytogenetic location: 16q23.1.
Variant type: single nucleotide variant.
Coding change: c.865A>G on transcript NM_018124.4 (MANE Select); coding-DNA position 865, A replaced by G.
Protein change: p.Ile289Val; replaces isoleucine 289 with valine.
Molecular consequence: missense variant.
Genome position (GRCh38, 1-based): chr16:74,644,663, T>C on the plus strand (A>G on the coding strand, the complement: RFWD3 is on the minus strand). VCF-style: chr16-74644663-T-C. GRCh37 (hg19) VCF-style: chr16-74678561-T-C.
Other names: c.865A>G, p.Ile289Val (NM_001370534.1, NM_001370535.1, NM_001370536.1); c.31A>G, p.Ile11Val (NM_001370537.1, NM_001370539.1, NM_001370540.1 and 2 more transcripts); c.865A>G (NM_018124.3); short protein forms I289V, I11V.
Identifiers: ClinVar variation 3699933 (VCV003699933.3).

ClinVar aggregate classification (germline): Uncertain significance. Review status: criteria provided, multiple submitters, no conflicts (2 of 4 stars). 2 submissions from 2 submitters: Uncertain significance (2). Last evaluated 2025-01-27.

gnomAD v4.1: 18 of 1,614,116 alleles (0.0011%); highest among the groups gnomAD compares: Non-Finnish European, 0.0015%; no homozygotes.

Submissions (2):

Ambry Genetics
Classification: Uncertain significance. Last evaluated: 2025-01-27. Review status: criteria provided, single submitter. Criteria: Ambry Variant Classification Scheme 2023. Collection method: clinical testing. Allele origin: germline.

Labcorp Genetics (formerly Invitae), Labcorp
Classification: Uncertain significance. Last evaluated: 2024-02-18. Review status: criteria provided, single submitter. Criteria: Invitae Variant Classification Sherloc (09022015). Collection method: clinical testing. Allele origin: germline.
Comment: This sequence change replaces isoleucine, which is neutral and non-polar, with valine, which is neutral and non-polar, at codon 289 of the RFWD3 protein (p.Ile289Val). This variant is present in population databases (rs376703465, gnomAD 0.002%). This variant has not been reported in the literature in individuals affected with RFWD3-related conditions. An algorithm developed to predict the effect of missense changes on protein structure and function (PolyPhen-2) suggests that this variant is likely to be disruptive. In summary, the available evidence is currently insufficient to determine the role of this variant in disease. Therefore, it has been classified as a Variant of Uncertain Significance.